The following is an entry in ClinVar:

NM_000505.4(F12):c.1025C>T (p.Pro342Leu)

Gene: F12 (coagulation factor XII; minus strand). Cytogenetic location: 5q35.3.
Variant type: single nucleotide variant.
Coding change: c.1025C>T on transcript NM_000505.4 (MANE Select); coding-DNA position 1025, C replaced by T.
Protein change: p.Pro342Leu; replaces proline 342 with leucine.
Molecular consequence: missense variant.
Genome position (GRCh38, 1-based): chr5:177,404,084, G>A on the plus strand (C>T on the coding strand, the complement: F12 is on the minus strand). VCF-style: chr5-177404084-G-A. GRCh37 (hg19) VCF-style: chr5-176831085-G-A.
Other names: short protein forms P342L.
Identifiers: ClinVar variation 352993 (VCV000352993.55), dbSNP rs2230939, ClinGen allele CA3581279.

ClinVar aggregate classification (germline): Conflicting classifications of pathogenicity. Review status: criteria provided, conflicting classifications (1 of 4 stars). 7 submissions from 6 submitters: Uncertain significance (4); Benign (1); Likely benign (2). Last evaluated 2025-02-01.

Conditions:
Inborn genetic diseases. Identifiers: MedGen C0950123, MeSH D030342.
Hereditary angioedema type 3 (HAE3). Also called: ESTROGEN-RELATED HAE; ESTROGEN-SENSITIVE HAE; HAE WITH NORMAL C1 INHIBITOR CONCENTRATION AND FUNCTION; ANGIONEUROTIC EDEMA, HEREDITARY, WITH NORMAL C1 INHIBITOR CONCENTRATION AND FUNCTION. Identifiers: Orphanet 100054, MedGen C1857728, MONDO:0012526, OMIM 610618.
Factor XII deficiency disease. Also called: F12 DEFICIENCY; HAF DEFICIENCY; Reduced factor XII activity; Congenital factor XII deficiency. Identifiers: Orphanet 330, MedGen C0015526, MONDO:0009315, OMIM 234000, HP:0004841.

Allele frequency attached by ClinVar (database versions not stated): TOPMed 0.00076; 1000 Genomes Project 30x 0.00078; 1000 Genomes Project 0.00080; ESP Exome Variant Server 0.00103.
gnomAD v4.1: 1,589 of 1,602,298 alleles (0.099%); highest among the groups gnomAD compares: Non-Finnish European, 0.12%; 1 homozygote.

Submissions (7):

CeGaT Center for Human Genetics Tuebingen
Classification: Likely benign. Last evaluated: 2025-02-01. Review status: criteria provided, single submitter. Criteria: CeGaT Center For Human Genetics Tuebingen Variant Classification Criteria Version 2. Collection method: clinical testing. Allele origin: germline. Affected: yes. Observed: 2 variant alleles.
Comment: F12: BP4

Blueprint Genetics
Classification: Uncertain significance. Last evaluated: 2024-11-06. Review status: criteria provided, single submitter. Criteria: ACMG Guidelines, 2015. Collection method: clinical testing. Allele origin: germline.

Labcorp Genetics (formerly Invitae), Labcorp
Classification: Uncertain significance. Last evaluated: 2024-08-14. Review status: criteria provided, single submitter. Criteria: Invitae Variant Classification Sherloc (09022015). Collection method: clinical testing. Allele origin: germline.
Comment: This sequence change replaces proline, which is neutral and non-polar, with leucine, which is neutral and non-polar, at codon 342 of the F12 protein (p.Pro342Leu). This variant is present in population databases (rs2230939, gnomAD 0.1%), and has an allele count higher than expected for a pathogenic variant. This variant has not been reported in the literature in individuals affected with F12-related conditions. ClinVar contains an entry for this variant (Variation ID: 352993). Invitae Evidence Modeling of protein sequence and biophysical properties (such as structural, functional, and spatial information, amino acid conservation, physicochemical variation, residue mobility, and thermodynamic stability) indicates that this missense variant is not expected to disrupt F12 protein function with a negative predictive value of 80%. In summary, the available evidence is currently insufficient to determine the role of this variant in disease. Therefore, it has been classified as a Variant of Uncertain Significance.

Ambry Genetics
Classification: Uncertain significance for Inborn genetic diseases. Last evaluated: 2024-05-26. Review status: criteria provided, single submitter. Criteria: Ambry Variant Classification Scheme 2023. Collection method: clinical testing. Allele origin: germline.

Illumina Laboratory Services, Illumina
Classification: Benign for Hereditary angioedema type 3. Last evaluated: 2018-01-12. Review status: criteria provided, single submitter. Criteria: ICSL Variant Classification Criteria 13 December 2019. Collection method: clinical testing. Allele origin: germline.
Comment: This variant was observed in the ICSL laboratory as part of a predisposition screen in an ostensibly healthy population. It had not been previously curated by ICSL or reported in the Human Gene Mutation Database (HGMD: prior to June 1st, 2018), and was therefore a candidate for classification through an automated scoring system. Utilizing variant allele frequency, disease prevalence and penetrance estimates, and inheritance mode, an automated score was calculated to assess if this variant is too frequent to cause the disease. Based on the score and internal cut-off values, a variant classified as benign is not then subjected to further curation. The score for this variant resulted in a classification of benign for this disease.

Illumina Laboratory Services, Illumina
Classification: Uncertain significance for Factor XII deficiency disease. Last evaluated: 2018-01-12. Review status: criteria provided, single submitter. Criteria: ICSL Variant Classification Criteria 13 December 2019. Collection method: clinical testing. Allele origin: germline.

CeMIA
Classification: Likely benign for Hereditary angioedema type 3. Review status: criteria provided, single submitter. Criteria: ACMG Guidelines, 2015. Collection method: clinical testing. Allele origin: germline. Affected: no. Observed: 1 variant allele.
Comment: Bioinformatic analysis by SIFT and PolyPhen2 algorithms predicted this mutation as tolerated and benign, respectively. It has been detected in 0.07692% alleles worldwide (gnomAD database) and its allele frequency is greater than that expected for FXII-HAE. The variant is reported as benign in ClinVar database in patients with FXII-HAE. Taking all the above into account and according to ACMG Guidelines (Criteria: BS1, BP4, BP5, BP6) the variant is considered likely benign.